The following is an entry in ClinVar:

NM_001199138.2(NLRC4):c.2939A>T (p.Asp980Val)

Gene: NLRC4 (NLR family CARD domain containing 4; minus strand). Cytogenetic location: 2p22.3.
Variant type: single nucleotide variant.
Coding change: c.2939A>T on transcript NM_001199138.2 (MANE Select); coding-DNA position 2939, A replaced by T.
Protein change: p.Asp980Val; replaces aspartic acid 980 with valine.
Molecular consequence: missense variant.
Genome position (GRCh38, 1-based): chr2:32,224,609, T>A on the plus strand (A>T on the coding strand, the complement: NLRC4 is on the minus strand). VCF-style: chr2-32224609-T-A. GRCh37 (hg19) VCF-style: chr2-32449678-T-A.
Other names: c.2939A>T, p.Asp980Val (NM_001199139.2, NM_021209.5); c.944A>T, p.Asp315Val (NM_001302504.2); short protein forms D980V, D315V.
Identifiers: ClinVar variation 2940112 (VCV002940112.3), dbSNP rs2466687915, ClinGen allele CA346519278.

ClinVar aggregate classification (germline): Uncertain significance (1 of 4 stars; one submission).

Conditions:
Periodic fever-infantile enterocolitis-autoinflammatory syndrome. Also called: Autoinflammation with infantile enterocolitis. Identifiers: Orphanet 436166, MedGen C4015067, MONDO:0014472, OMIM 616050.
Familial cold autoinflammatory syndrome 4 (FCAS4). Identifiers: Orphanet 47045, Orphanet 576349, MedGen C4015276, MONDO:0014498, OMIM 616115.

Submission:

Labcorp Genetics (formerly Invitae), Labcorp
Classification: Uncertain significance for Periodic fever-infantile enterocolitis-autoinflammatory syndrome; Familial cold autoinflammatory syndrome 4. Last evaluated: 2025-06-12. Review status: criteria provided, single submitter. Criteria: Invitae Variant Classification Sherloc (09022015). Collection method: clinical testing. Allele origin: germline.
Comment: This sequence change replaces aspartic acid, which is acidic and polar, with valine, which is neutral and non-polar, at codon 980 of the NLRC4 protein (p.Asp980Val). This variant is not present in population databases (gnomAD no frequency). This variant has not been reported in the literature in individuals affected with NLRC4-related conditions. ClinVar contains an entry for this variant (Variation ID: 2940112). Invitae Evidence Modeling of protein sequence and biophysical properties (such as structural, functional, and spatial information, amino acid conservation, physicochemical variation, residue mobility, and thermodynamic stability) indicates that this missense variant is not expected to disrupt NLRC4 protein function with a negative predictive value of 80%. In summary, the available evidence is currently insufficient to determine the role of this variant in disease. Therefore, it has been classified as a Variant of Uncertain Significance.